The following is an entry in ClinVar:

NM_001103.4(ACTN2):c.1405A>C (p.Asn469His)

Gene: ACTN2 (actinin alpha 2; plus strand). Cytogenetic location: 1q43.
Variant type: single nucleotide variant.
Coding change: c.1405A>C on transcript NM_001103.4 (MANE Select); coding-DNA position 1405, A replaced by C.
Protein change: p.Asn469His; replaces asparagine 469 with histidine.
Molecular consequence: missense variant. On other transcripts: non-coding transcript variant (1).
Genome position (GRCh38, 1-based): chr1:236,744,775, A>C. VCF-style: chr1-236744775-A-C. GRCh37 (hg19) VCF-style: chr1-236908075-A-C.
Other names: c.1405A>C, p.Asn469His (NM_001278343.2); short protein forms N469H.
Identifiers: ClinVar variation 4793033 (VCV004793033.1).
Genomic context (GRCh38, chr1:236,744,775, plus strand): 5'-AGCGACCTGGCAGCGCACCAGGACCGCGTGGAGCAGATCGCAGCCATCGCGCAGGAGCTC[A>C]AGTATGTGCAGATGCCCTCCGTCCTCCCGGGAGCCCCTGGGATTCCACAGAGAGGGGAGA-3'
Protein context (NP_001094.1, residues 459-479): EQIAAIAQEL[Asn469His]ELDYHDAVNV

ClinVar aggregate classification (germline): Uncertain significance (1 of 4 stars; one submission).

Conditions:
Dilated cardiomyopathy 1AA (CMD1AA). Also called: CARDIOMYOPATHY, DILATED, 1AA, WITH OR WITHOUT LEFT VENTRICULAR NONCOMPACTION; CARDIOMYOPATHY, FAMILIAL HYPERTROPHIC, 23, WITH OR WITHOUT LEFT VENTRICULAR NONCOMPACTION; Cardiomyopathy, dilated, 1AA, with or without LVNC. Identifiers: Orphanet 154, MedGen C2677338, MONDO:0012808, OMIM 612158.
Primary familial hypertrophic cardiomyopathy (HCM). Identifiers: Orphanet 99739, MedGen C0949658, MeSH D024741, MONDO:0024573. Inheritance: Various modes of inheritance.

Submission:

Labcorp Genetics (formerly Invitae), Labcorp
Classification: Uncertain significance for Primary familial hypertrophic cardiomyopathy; Dilated cardiomyopathy 1AA. Last evaluated: 2025-06-18. Review status: criteria provided, single submitter. Criteria: Invitae Variant Classification Sherloc (09022015). Collection method: clinical testing. Allele origin: germline.
Comment: This sequence change replaces asparagine, which is neutral and polar, with histidine, which is basic and polar, at codon 469 of the ACTN2 protein (p.Asn469His). This variant is not present in population databases (gnomAD no frequency). This variant has not been reported in the literature in individuals affected with ACTN2-related conditions. An algorithm developed to predict the effect of missense changes on protein structure and function (PolyPhen-2) suggests that this variant is likely to be disruptive. In summary, the available evidence is currently insufficient to determine the role of this variant in disease. Therefore, it has been classified as a Variant of Uncertain Significance.